The following is an entry in ClinVar:

ClinVar aggregate classification (germline): Uncertain significance. Review status: criteria provided, multiple submitters, no conflicts (2 of 4 stars). 2 submissions from 2 submitters: Uncertain significance (2). Last evaluated 2025-10-06.

Conditions:
Inborn genetic diseases. Identifiers: MedGen C0950123, MeSH D030342.

gnomAD v4.1: 1 of 1,614,076 alleles (0.000062%); highest among the groups gnomAD compares: Non-Finnish European, 0.000085%; no homozygotes.

Submissions (2):

Ambry Genetics
Classification: Uncertain significance for Inborn genetic diseases. Last evaluated: 2025-10-06. Review status: criteria provided, single submitter. Criteria: Ambry Variant Classification Scheme 2023. Collection method: clinical testing. Allele origin: germline.
Comment: The p.E290A variant (also known as c.869A>C), located in coding exon 9 of the ASXL1 gene, results from an A to C substitution at nucleotide position 869. The glutamic acid at codon 290 is replaced by alanine, an amino acid with dissimilar properties. This amino acid position is conserved. In addition, the in silico prediction for this alteration is inconclusive. Based on the available evidence, the clinical significance of this variant remains unclear.

Greenwood Genetic Center Diagnostic Laboratories, Greenwood Genetic Center
Classification: Uncertain significance. Last evaluated: 2024-12-09. Review status: criteria provided, single submitter. Criteria: ACMG Guidelines, 2015. Collection method: clinical testing. Allele origin: germline. Affected: yes.
Comment: PM2

NM_015338.6(ASXL1):c.869A>C (p.Glu290Ala)

Gene: ASXL1 (ASXL transcriptional regulator 1; plus strand). Cytogenetic location: 20q11.21.
Variant type: single nucleotide variant.
Coding change: c.869A>C on transcript NM_015338.6 (MANE Select); coding-DNA position 869, A replaced by C.
Protein change: p.Glu290Ala; replaces glutamic acid 290 with alanine.
Molecular consequence: missense variant.
Genome position (GRCh38, 1-based): chr20:32,431,471, A>C. VCF-style: chr20-32431471-A-C. GRCh37 (hg19) VCF-style: chr20-31019274-A-C.
Other names: c.686A>C, p.Glu229Ala (NM_001363734.1); short protein forms E229A, E290A.
Identifiers: ClinVar variation 3765809 (VCV003765809.2).